The following is an entry in ClinVar:

ClinVar aggregate classification (germline): Pathogenic/Likely pathogenic. Review status: criteria provided, multiple submitters, no conflicts (2 of 4 stars). 4 submissions from 4 submitters: Pathogenic (3); Likely pathogenic (1). Last evaluated 2023-11-03.

Conditions:
Hereditary cancer-predisposing syndrome. Also called: Hereditary Cancer Syndrome; Neoplastic Syndromes, Hereditary; Hereditary neoplastic syndrome; Tumor predisposition. Identifiers: Orphanet 140162, MedGen C0027672, MeSH D009386, MONDO:0015356.
Lynch syndrome 5 (LYNCH5). Also called: Hereditary non-polyposis colorectal cancer, type 5; Colorectal cancer, hereditary nonpolyposis, type 5. Identifiers: Orphanet 144, MedGen C1833477, MONDO:0013710, OMIM 614350. Disease mechanism: loss of function.
Hereditary nonpolyposis colon cancer (HNPCC). Also called: Hereditary Nonpolyposis Colorectal Cancer Syndrome; Hereditary nonpolyposis colorectal cancer; Familial nonpolyposis colon cancer. Identifiers: Orphanet 443909, MedGen C1333990, MONDO:0018630. Disease mechanism: loss of function.

Submissions (4):

GeneDx
Classification: Pathogenic. Last evaluated: 2023-11-03. Review status: criteria provided, single submitter. Criteria: GeneDx Variant Classification Process June 2021. Collection method: clinical testing. Allele origin: germline. Affected: yes.
Comment: Frameshift variant predicted to result in protein truncation or nonsense mediated decay in a gene for which loss-of-function is a known mechanism of disease; Not observed at significant frequency in large population cohorts (gnomAD); Truncating variants in this gene are considered pathogenic by a well-established clinical consortium and/or database; Has not been previously published as pathogenic or benign to our knowledge

Myriad Genetics, Inc.
Classification: Pathogenic for Lynch syndrome 5. Last evaluated: 2023-08-25. Review status: criteria provided, single submitter. Criteria: Myriad Autosomal Dominant, Autosomal Recessive and X-Linked Classification Criteria (2023). Collection method: clinical testing. Allele origin: unknown.
Comment: This variant is considered pathogenic. This variant creates a frameshift predicted to result in premature protein truncation.

Women's Health and Genetics/Laboratory Corporation of America, LabCorp
Classification: Likely pathogenic for Hereditary nonpolyposis colon cancer. Last evaluated: 2022-02-15. Review status: criteria provided, single submitter. Criteria: LabCorp Variant Classification Summary - May 2015. Collection method: clinical testing. Allele origin: germline.
Comment: Variant summary: MSH6 c.3841_3847dupGAGACTA (p.Ile1283ArgfsX8) results in a premature termination codon, predicted to cause a truncation of the encoded protein or absence of the protein due to nonsense mediated decay, which are commonly known mechanisms for disease. Truncations downstream of this position have been classified as pathogenic by our laboratory. The variant was absent in 250892 control chromosomes. To our knowledge, no occurrence of c.3841_3847dupGAGACTA in individuals affected with Hereditary Nonpolyposis Colorectal Cancer and no experimental evidence demonstrating its impact on protein function have been reported. One clinical diagnostic laboratory has submitted clinical-significance assessments for this variant to ClinVar after 2014 without evidence for independent evaluation. One laboratory classified the variant as pathogenic. Based on the evidence outlined above, the variant was classified as likely pathogenic.

Ambry Genetics
Classification: Pathogenic for Hereditary cancer-predisposing syndrome. Last evaluated: 2019-11-18. Review status: criteria provided, single submitter. Criteria: Ambry Variant Classification Scheme 2023. Collection method: clinical testing. Allele origin: germline.
Comment: The c.3841_3847dupGAGACTA pathogenic mutation, located in coding exon 9 of the MSH6 gene, results from a duplication of GAGACTA at nucleotide position 3841, causing a translational frameshift with a predicted alternate stop codon (p.I1283Rfs*8). This alteration is expected to result in loss of function by premature protein truncation or nonsense-mediated mRNA decay. As such, this alteration is interpreted as a disease-causing mutation.

NM_000179.3(MSH6):c.3841_3847dup (p.Ile1283fs)

Gene: MSH6 (mutS homolog 6; plus strand). Cytogenetic location: 2p16.3.
Variant type: Duplication.
Coding change: c.3841_3847dup on transcript NM_000179.3 (MANE Select); coding-DNA positions 3841 to 3847, 7 bases duplicated (GAGACTA; older notation c.3841_3847dupGAGACTA).
Protein change: p.Ile1283fs; shifts the reading frame from isoleucine 1283.
Molecular consequence: frameshift variant.
Genome position (GRCh38, 1-based): chr2:47,806,491-47,806,497, GAGACTA duplicated. VCF-style (leftmost placement, unchanged base first): chr2-47806490-G-GGAGACTA. GRCh37 (hg19) VCF-style: chr2-48033629-G-GGAGACTA.
Other names: c.3451_3457dup, p.Ile1153fs (NM_001281492.2); c.2935_2941dup, p.Ile981fs (NM_001281493.2, NM_001281494.2); c.3841_3847dupGAGACTA (NM_000179.2); c.3841_3847dup (NM_000179.2); short protein forms I981fs, I1153fs, I1283fs.
Identifiers: ClinVar variation 428329 (VCV000428329.9), dbSNP rs1114167720, ClinGen allele CA645369292.